The following is an entry in ClinVar:

NM_000179.3(MSH6):c.3774A>G (p.Gln1258=)

Gene: MSH6 (mutS homolog 6; plus strand). Cytogenetic location: 2p16.3.
Variant type: single nucleotide variant.
Coding change: c.3774A>G on transcript NM_000179.3 (MANE Select); coding-DNA position 3774, A replaced by G.
Protein change: p.Gln1258=; no amino-acid change (glutamine 1258 retained).
Molecular consequence: synonymous variant.
Genome position (GRCh38, 1-based): chr2:47,806,331, A>G. VCF-style: chr2-47806331-A-G. GRCh37 (hg19) VCF-style: chr2-48033470-A-G.
Other names: c.3384A>G, p.Gln1128= (NM_001281492.2); c.2868A>G, p.Gln956= (NM_001281493.2, NM_001281494.2); c.3774A>G (NM_000179.2).
Identifiers: ClinVar variation 1094250 (VCV001094250.11), dbSNP rs1572745173, ClinGen allele CA346761136.

ClinVar aggregate classification (germline): Benign/Likely benign. Review status: criteria provided, multiple submitters, no conflicts (2 of 4 stars). 3 submissions from 3 submitters: Benign (1); Likely benign (2). Last evaluated 2026-02-23.

Conditions:
Hereditary cancer-predisposing syndrome. Also called: Hereditary Cancer Syndrome; Neoplastic Syndromes, Hereditary; Tumor predisposition; Hereditary neoplastic syndrome. Identifiers: Orphanet 140162, MedGen C0027672, MeSH D009386, MONDO:0015356.
Lynch syndrome 5 (LYNCH5). Also called: Colorectal cancer, hereditary nonpolyposis, type 5; Hereditary non-polyposis colorectal cancer, type 5. Identifiers: Orphanet 144, MedGen C1833477, MONDO:0013710, OMIM 614350. Disease mechanism: loss of function.
Hereditary nonpolyposis colorectal neoplasms. Identifiers: MedGen C0009405, MeSH D003123.

Submissions (3):

Ambry Genetics
Classification: Likely benign for Hereditary cancer-predisposing syndrome. Last evaluated: 2026-02-23. Review status: criteria provided, single submitter. Criteria: Ambry Variant Classification Scheme 2023. Collection method: clinical testing. Allele origin: germline.

Labcorp Genetics (formerly Invitae), Labcorp
Classification: Likely benign for Hereditary nonpolyposis colorectal neoplasms. Last evaluated: 2025-03-29. Review status: criteria provided, single submitter. Criteria: Invitae Variant Classification Sherloc (09022015). Collection method: clinical testing. Allele origin: germline.

Myriad Genetics, Inc.
Classification: Benign for Lynch syndrome 5. Last evaluated: 2025-01-08. Review status: criteria provided, single submitter. Criteria: Myriad Autosomal Dominant, Autosomal Recessive and X-Linked Classification Criteria (2023). Collection method: clinical testing. Allele origin: unknown.
Comment: This variant is considered benign. This variant is a silent/synonymous amino acid change and it is not expected to impact splicing.